The following is an entry in ClinVar:

NM_000587.4(C7):c.878G>A (p.Arg293Gln)

Gene: C7 (complement C7; plus strand). Cytogenetic location: 5p13.1.
Variant type: single nucleotide variant.
Coding change: c.878G>A on transcript NM_000587.4 (MANE Select); coding-DNA position 878, G replaced by A.
Protein change: p.Arg293Gln; replaces arginine 293 with glutamine.
Molecular consequence: missense variant.
Genome position (GRCh38, 1-based): chr5:40,947,741, G>A. VCF-style: chr5-40947741-G-A. GRCh37 (hg19) VCF-style: chr5-40947843-G-A.
Other names: c.878G>A (NM_000587.2); short protein forms R293Q.
Identifiers: ClinVar variation 1044036 (VCV001044036.9), dbSNP rs764221802, ClinGen allele CA3249782.
Genomic context (GRCh38, chr5:40,947,741, plus strand): 5'-CTGAGCCATTCTGGAAGGAGCTTTCCCACCTCCCCTCTCTGTATGACTACAGTGCCTACC[G>A]AAGATTAATCGACCAGTACGGGACACATTATCTGCAATCTGGGTCGTTAGGAGGAGAATA-3'
Protein context (NP_000578.2, residues 283-303): LPSLYDYSAY[Arg293Gln]RLIDQYGTHY

ClinVar aggregate classification (germline): Uncertain significance. Review status: criteria provided, multiple submitters, no conflicts (2 of 4 stars). 2 submissions from 2 submitters: Uncertain significance (2). Last evaluated 2025-05-17.

Conditions:
Inborn genetic diseases. Identifiers: MedGen C0950123, MeSH D030342.

Allele frequency attached by ClinVar (database versions not stated): TOPMed below 0.00001; gnomAD exomes 0.00001; ExAC 0.00002.
gnomAD v4.1: 16 of 1,613,726 alleles (0.00099%); highest among the groups gnomAD compares: South Asian, 0.0033%; no homozygotes.

Submissions (2):

Ambry Genetics
Classification: Uncertain significance for Inborn genetic diseases. Last evaluated: 2025-05-17. Review status: criteria provided, single submitter. Criteria: Ambry Variant Classification Scheme 2023. Collection method: clinical testing. Allele origin: germline.

Labcorp Genetics (formerly Invitae), Labcorp
Classification: Uncertain significance. Last evaluated: 2022-02-10. Review status: criteria provided, single submitter. Criteria: Invitae Variant Classification Sherloc (09022015). Collection method: clinical testing. Allele origin: germline.
Comment: In summary, the available evidence is currently insufficient to determine the role of this variant in disease. Therefore, it has been classified as a Variant of Uncertain Significance. Algorithms developed to predict the effect of missense changes on protein structure and function are either unavailable or do not agree on the potential impact of this missense change (SIFT: "Deleterious"; PolyPhen-2: "Probably Damaging"; Align-GVGD: "Class C0"). ClinVar contains an entry for this variant (Variation ID: 1044036). This variant has not been reported in the literature in individuals affected with C7-related conditions. This variant is present in population databases (rs764221802, gnomAD 0.003%). This sequence change replaces arginine, which is basic and polar, with glutamine, which is neutral and polar, at codon 293 of the C7 protein (p.Arg293Gln).